The following is an entry in ClinVar:

ClinVar aggregate classification (germline): Benign (1 of 4 stars; one submission).

Allele frequency attached by ClinVar (database versions not stated): gnomAD 0.00252 and 0.00267; TOPMed 0.00307; 1000 Genomes Project 0.00419; 1000 Genomes Project 30x 0.00422.
gnomAD v4.1: 598 of 985,602 alleles (0.061%); highest among the groups gnomAD compares: African/African-American, 0.94%; 9 homozygotes.

Submission:

GeneDx
Classification: Benign. Last evaluated: 2015-02-06. Review status: criteria provided, single submitter. Criteria: GeneDx Variant Classification (06012015). Collection method: clinical testing. Allele origin: germline. Affected: yes.
Comment: This variant is considered likely benign or benign based on one or more of the following criteria: it is a conservative change, it occurs at a poorly conserved position in the protein, it is predicted to be benign by multiple in silico algorithms, and/or has population frequency not consistent with disease.

NM_005902.4(SMAD3):c.207-38931G>A

Gene: SMAD3 (SMAD family member 3; plus strand). Cytogenetic location: 15q22.33.
Variant type: single nucleotide variant.
Coding change: c.207-38931G>A on transcript NM_005902.4 (MANE Select); 38931 bases into the intron before coding-DNA position 207, G replaced by A.
Molecular consequence: intron variant. On other transcripts: 5 prime UTR variant (1).
Genome position (GRCh38, 1-based): chr15:67,125,964, G>A. VCF-style: chr15-67125964-G-A. GRCh37 (hg19) VCF-style: chr15-67418302-G-A.
Other names: c.-130G>A (NM_001145102.2).
Identifiers: ClinVar variation 213755 (VCV000213755.1), dbSNP rs150350777, ClinGen allele CA324329.